The following is an entry in ClinVar:

NM_001346249.2(RALGAPA1):c.1213A>G (p.Arg405Gly)

Gene: RALGAPA1 (Ral GTPase activating protein catalytic subunit alpha 1; minus strand). Cytogenetic location: 14q13.2.
Variant type: single nucleotide variant.
Coding change: c.1213A>G on transcript NM_001346249.2 (MANE Select); coding-DNA position 1213, A replaced by G.
Protein change: p.Arg405Gly; replaces arginine 405 with glycine.
Molecular consequence: missense variant.
Genome position (GRCh38, 1-based): chr14:35,748,623, T>C on the plus strand (A>G on the coding strand, the complement: RALGAPA1 is on the minus strand). VCF-style: chr14-35748623-T-C. GRCh37 (hg19) VCF-style: chr14-36217829-T-C.
Other names: c.1213A>G, p.Arg405Gly (NM_001283043.3, NM_001283044.3, NM_001330075.3 and 7 more transcripts); short protein forms R405G.
Identifiers: ClinVar variation 1709194 (VCV001709194.2), dbSNP rs2550661566, ClinGen allele CA389501290.

ClinVar aggregate classification (germline): Uncertain significance (1 of 4 stars; one submission).

Conditions:
Neurodevelopmental disorder with hypotonia, neonatal respiratory insufficiency, and thermodysregulation. Identifiers: MedGen C5394091, MONDO:0032921, OMIM 618797.

Submission:

MGZ Medical Genetics Center
Classification: Uncertain significance for Neurodevelopmental disorder with hypotonia, neonatal respiratory insufficiency, and thermodysregulation. Last evaluated: 2022-02-04. Review status: criteria provided, single submitter. Criteria: ACMG Guidelines, 2015. Collection method: clinical testing. Allele origin: germline. Affected: yes. Observed: 1 variant allele.
Comment: ACMG criteria applied: PM2_SUP, PP3